The following is an entry in ClinVar:

ClinVar aggregate classification (germline): Uncertain significance. Review status: criteria provided, multiple submitters, no conflicts (2 of 4 stars). 2 submissions from 2 submitters: Uncertain significance (2). Last evaluated 2025-05-28.

Submissions (2):

Dasa
Classification: Uncertain significance. Last evaluated: 2025-05-28. Review status: criteria provided, single submitter. Criteria: DASA Assertion Criteria. Collection method: clinical testing. Allele origin: germline.
Comment: NM_001365951.3(KIF1B):c.3020G>C (p.Arg1007Pro) is a missense variant that results in the substitution of arginine with proline. This variant is absent from population databases. Computational prediction algorithms are consistent with a deleterious effect. The currently available literature and clinical evidence are not sufficient to establish a definitive association between this variant and the reported condition. Therefore, this variant is classified as a variant of uncertain significance.

Ambry Genetics
Classification: Uncertain significance. Last evaluated: 2023-05-23. Review status: criteria provided, single submitter. Criteria: Ambry Variant Classification Scheme 2023. Collection method: clinical testing. Allele origin: germline.
Comment: The p.R961P variant (also known as c.2882G>C), located in coding exon 25 of the KIF1B gene, results from a G to C substitution at nucleotide position 2882. The arginine at codon 961 is replaced by proline, an amino acid with dissimilar properties. This amino acid position is highly conserved in available vertebrate species. In addition, this alteration is predicted to be deleterious by in silico analysis. Since supporting evidence is limited at this time, the clinical significance of this alteration remains unclear.

NM_001365951.3(KIF1B):c.3020G>C (p.Arg1007Pro)

Gene: KIF1B (kinesin family member 1B; plus strand). Cytogenetic location: 1p36.22.
Variant type: single nucleotide variant.
Coding change: c.3020G>C on transcript NM_001365951.3 (MANE Select); coding-DNA position 3020, G replaced by C.
Protein change: p.Arg1007Pro; replaces arginine 1007 with proline.
Molecular consequence: missense variant.
Genome position (GRCh38, 1-based): chr1:10,334,615, G>C. VCF-style: chr1-10334615-G-C. GRCh37 (hg19) VCF-style: chr1-10394673-G-C.
Other names: c.3020G>C, p.Arg1007Pro (NM_001365952.1); c.2882G>C, p.Arg961Pro (NM_015074.3); short protein forms R961P, R1007P.
Identifiers: ClinVar variation 1797196 (VCV001797196.5), dbSNP rs145494902, ClinGen allele CA338338818.